The following is an entry in ClinVar:

ClinVar aggregate classification (germline): Uncertain significance (1 of 4 stars; one submission).

Conditions:
Hereditary cancer-predisposing syndrome. Also called: Tumor predisposition; Neoplastic Syndromes, Hereditary; Hereditary neoplastic syndrome; Hereditary Cancer Syndrome. Identifiers: Orphanet 140162, MedGen C0027672, MeSH D009386, MONDO:0015356.

Submission:

Ambry Genetics
Classification: Uncertain significance for Hereditary cancer-predisposing syndrome. Last evaluated: 2024-12-08. Review status: criteria provided, single submitter. Criteria: Ambry Variant Classification Scheme 2023. Collection method: clinical testing. Allele origin: germline.
Comment: The p.P674H variant (also known as c.2021C>A), located in coding exon 18 of the TSC2 gene, results from a C to A substitution at nucleotide position 2021. The proline at codon 674 is replaced by histidine, an amino acid with similar properties. This amino acid position is conserved. In addition, the in silico prediction for this alteration is inconclusive. Based on the available evidence, the clinical significance of this variant remains unclear.

NM_000548.5(TSC2):c.2021C>A (p.Pro674His)

Gene: TSC2 (TSC complex subunit 2; plus strand). Cytogenetic location: 16p13.3.
Variant type: single nucleotide variant.
Coding change: c.2021C>A on transcript NM_000548.5 (MANE Select); coding-DNA position 2021, C replaced by A.
Protein change: p.Pro674His; replaces proline 674 with histidine.
Molecular consequence: missense variant. On other transcripts: non-coding transcript variant (5).
Genome position (GRCh38, 1-based): chr16:2,071,858, C>A. VCF-style: chr16-2071858-C-A. GRCh37 (hg19) VCF-style: chr16-2121859-C-A.
Other names: c.2021C>A, p.Pro674His (NM_001077183.3, NM_001114382.3, NM_001363528.2 and 6 more transcripts); c.1910C>A, p.Pro637His (NM_001318827.2, NM_001406670.1, NM_001406678.1); c.1874C>A, p.Pro625His (NM_001318829.2, NM_001406675.1, NM_001406676.1 and 1 more transcripts); c.1421C>A, p.Pro474His (NM_001318831.2, NM_001406680.1, NM_001406682.1 and 6 more transcripts); c.2054C>A, p.Pro685His (NM_001318832.2); c.2111C>A, p.Pro704His (NM_001406667.1, NM_001406668.1); c.2009C>A, p.Pro670His (NM_001406671.1, NM_001406673.1); c.1964C>A, p.Pro655His (NM_001406677.1); and 3 more; short protein forms P140H, P226H, P670H, P655H, P674H, P520H, P625H, P637H.
Identifiers: ClinVar variation 3462695 (VCV003462695.1).